The following is an entry in ClinVar:

NM_016203.4(PRKAG2):c.1058A>G (p.Tyr353Cys)

Gene: PRKAG2 (protein kinase AMP-activated non-catalytic subunit gamma 2; minus strand). Cytogenetic location: 7q36.1.
Variant type: single nucleotide variant.
Coding change: c.1058A>G on transcript NM_016203.4 (MANE Select); coding-DNA position 1058, A replaced by G.
Protein change: p.Tyr353Cys; replaces tyrosine 353 with cysteine.
Molecular consequence: missense variant.
Genome position (GRCh38, 1-based): chr7:151,570,219, T>C on the plus strand (A>G on the coding strand, the complement: PRKAG2 is on the minus strand). VCF-style: chr7-151570219-T-C. GRCh37 (hg19) VCF-style: chr7-151267305-T-C.
Other names: c.926A>G, p.Tyr309Cys (NM_001040633.2); c.683A>G, p.Tyr228Cys (NM_001304527.2); c.335A>G, p.Tyr112Cys (NM_001304531.2, NM_024429.2); c.686A>G, p.Tyr229Cys (NM_001363698.2); short protein forms Y353C, Y228C, Y229C, Y309C, Y112C.
Identifiers: ClinVar variation 465336 (VCV000465336.8), dbSNP rs1554459431, ClinGen allele CA370071810.
Genomic context (GRCh38, chr7:151,570,219, plus strand): 5'-AAACAAGTTTACCTTGCATCTGGAGATATATTCACTAAAGGCTTAAATGTTTCTTGTAAA[T>C]AAAGCTCTGTATTTATAGAAAGAAAATATGCAGTTAGTAACACATTTGCTGTTTGCAGTT-3'
Protein context (NP_057287.2, residues 343-363): EHKIETWREL[Tyr353Cys]LQETFKPLVN

ClinVar aggregate classification (germline): Uncertain significance (1 of 4 stars; one submission).

Conditions:
Lethal congenital glycogen storage disease of heart. Also called: GLYCOGEN STORAGE DISEASE OF HEART; PHOSPHORYLASE KINASE DEFICIENCY OF HEART. Identifiers: Orphanet 439854, MedGen C1849813, MONDO:0009867, OMIM 261740.

Submission:

Labcorp Genetics (formerly Invitae), Labcorp
Classification: Uncertain significance for Lethal congenital glycogen storage disease of heart. Last evaluated: 2020-08-14. Review status: criteria provided, single submitter. Criteria: Invitae Variant Classification Sherloc (09022015). Collection method: clinical testing. Allele origin: germline.
Comment: This sequence change replaces tyrosine with cysteine at codon 353 of the PRKAG2 protein (p.Tyr353Cys). The tyrosine residue is moderately conserved and there is a large physicochemical difference between tyrosine and cysteine. This variant is not present in population databases (ExAC no frequency) and has not been reported in the literature in individuals with a PRKAG2-related disease. Algorithms developed to predict the effect of missense changes on protein structure and function do not agree on the potential impact of this missense change (SIFT: "Tolerated"; PolyPhen-2: "Probably Damaging"; Align-GVGD: "Class C0"). In summary, this variant is a novel missense change with uncertain impact on protein function. It has been classified as a Variant of Uncertain Significance.